The following is an entry in ClinVar:

ClinVar aggregate classification (germline): Pathogenic (1 of 4 stars; one submission).

Conditions:
Deafness-lymphedema-leukemia syndrome. Also called: Lymphedema, primary, with myelodysplasia; Emberger syndrome. Identifiers: Orphanet 3226, MedGen C3279664, MONDO:0013540, OMIM 614038.
Monocytopenia with susceptibility to infections. Also called: Dendritic cell, monocyte, B lymphocyte, and natural killer lymphocyte deficiency; MONOCYTOPENIA AND MYCOBACTERIAL INFECTION SYNDROME; MONOCYTOPENIA WITH SUSCEPTIBILITY TO MYCOBACTERIAL, FUNGAL, AND PAPILLOMAVIRUS INFECTIONS AND MYELODYSPLASIA; COMBINED IMMUNODEFICIENCY WITH SUSCEPTIBILITY TO MYCOBACTERIAL, VIRAL, AND FUNGAL INFECTIONS; IMMUNODEFICIENCY 21; GATA2 DEFICIENCY. Identifiers: Orphanet 228423, MedGen C3280030, MONDO:0013607, OMIM 614172.

Submission:

Labcorp Genetics (formerly Invitae), Labcorp
Classification: Pathogenic for Monocytopenia with susceptibility to infections; Deafness-lymphedema-leukemia syndrome. Last evaluated: 2019-06-04. Review status: criteria provided, single submitter. Criteria: Invitae Variant Classification Sherloc (09022015). Collection method: clinical testing. Allele origin: germline.
Comment: This sequence change creates a premature translational stop signal (p.Tyr72*) in the GATA2 gene. It is expected to result in an absent or disrupted protein product. This variant is not present in population databases (ExAC no frequency). This variant has not been reported in the literature in individuals with GATA2-related conditions. Loss-of-function variants in GATA2 are known to be pathogenic (PMID: 21670465, 23223431). For these reasons, this variant has been classified as Pathogenic.

Literature cited by the submitters: PubMed 21670465; PubMed 23223431.

NM_032638.5(GATA2):c.216C>G (p.Tyr72Ter)

Gene: GATA2 (GATA binding protein 2; minus strand). Cytogenetic location: 3q21.3.
Variant type: single nucleotide variant.
Coding change: c.216C>G on transcript NM_032638.5 (MANE Select); coding-DNA position 216, C replaced by G.
Protein change: p.Tyr72Ter; replaces tyrosine 72 with a stop codon.
Molecular consequence: nonsense.
Genome position (GRCh38, 1-based): chr3:128,486,816, G>C on the plus strand (C>G on the coding strand, the complement: GATA2 is on the minus strand). VCF-style: chr3-128486816-G-C. GRCh37 (hg19) VCF-style: chr3-128205659-G-C.
Other names: c.216C>G, p.Tyr72Ter (NM_001145661.2, NM_001145662.1); short protein forms Y72*.
Identifiers: ClinVar variation 854097 (VCV000854097.7), dbSNP rs1254938356, ClinGen allele CA354408223.